The following is an entry in ClinVar:

NM_019032.6(ADAMTSL4):c.440G>A (p.Arg147Gln)

Genes: ADAMTSL4 (ADAMTS like 4; plus strand), ADAMTSL4-AS2 (ADAMTSL4 antisense RNA 2; minus strand). Cytogenetic location: 1q21.2.
Variant type: single nucleotide variant.
Coding change: c.440G>A on transcript NM_019032.6 (MANE Select); coding-DNA position 440, G replaced by A.
Protein change: p.Arg147Gln; replaces arginine 147 with glutamine.
Molecular consequence: missense variant.
Genome position (GRCh38, 1-based): chr1:150,553,431, G>A. VCF-style: chr1-150553431-G-A. GRCh37 (hg19) VCF-style: chr1-150525907-G-A.
Other names: c.440G>A, p.Arg147Gln (NM_001288607.2, NM_001288608.2, NM_001378596.1 and 1 more transcripts); c.440G>A (NM_019032.5); short protein forms R147Q.
Identifiers: ClinVar variation 1522240 (VCV001522240.7), dbSNP rs141413572, ClinGen allele CA1077961.
Genomic context (GRCh38, chr1:150,553,431, plus strand): 5'-AAACAGGGTCAGAGGTGGTCAGAGCTGTGCCCCCACATCTGAAACACCTTCTCAGGTCCC[G>A]GCTTCGAGACCCCATCAAGCCAGGAATGTTCGGTTATGGGAGAGTGCCCTTTGCATTGCC-3'
Protein context (NP_061905.2, residues 137-157): TQEIRAARRS[Arg147Gln]LRDPIKPGMF

ClinVar aggregate classification (germline): Uncertain significance. Review status: criteria provided, multiple submitters, no conflicts (2 of 4 stars). 4 submissions from 4 submitters: Uncertain significance (4). Last evaluated 2025-04-24.

Allele frequency attached by ClinVar (database versions not stated): gnomAD exomes 0.00013 and 0.00017; ExAC 0.00022; 1000 Genomes Project 30x 0.00031; 1000 Genomes Project 0.00040; TOPMed 0.00048; ESP Exome Variant Server 0.00054; gnomAD 0.00054.
gnomAD v4.1: 291 of 1,613,774 alleles (0.018%); highest among the groups gnomAD compares: African/African-American, 0.15%; 1 homozygote.

Submissions (5):

GeneDx
Classification: Uncertain significance. Last evaluated: 2025-04-24. Review status: criteria provided, single submitter. Criteria: GeneDx Variant Classification Process June 2021. Collection method: clinical testing. Allele origin: germline. Affected: yes.
Comment: In silico analysis indicates that this missense variant does not alter protein structure/function; Has not been previously published as pathogenic or benign to our knowledge

Blueprint Genetics
Classification: Uncertain significance. Last evaluated: 2024-09-18. Review status: criteria provided, single submitter. Criteria: ACMG Guidelines, 2015. Collection method: clinical testing. Allele origin: germline.

Labcorp Genetics (formerly Invitae), Labcorp
Classification: Uncertain significance. Last evaluated: 2022-10-25. Review status: criteria provided, single submitter. Criteria: Invitae Variant Classification Sherloc (09022015). Collection method: clinical testing. Allele origin: germline.
Comment: This sequence change replaces arginine, which is basic and polar, with glutamine, which is neutral and polar, at codon 147 of the ADAMTSL4 protein (p.Arg147Gln). This variant is present in population databases (rs141413572, gnomAD 0.08%). This variant has not been reported in the literature in individuals affected with ADAMTSL4-related conditions. ClinVar contains an entry for this variant (Variation ID: 1522240). Advanced modeling of protein sequence and biophysical properties (such as structural, functional, and spatial information, amino acid conservation, physicochemical variation, residue mobility, and thermodynamic stability) performed at Invitae indicates that this missense variant is not expected to disrupt ADAMTSL4 protein function. In summary, the available evidence is currently insufficient to determine the role of this variant in disease. Therefore, it has been classified as a Variant of Uncertain Significance.

Breakthrough Genomics
Classification: Uncertain significance. Review status: criteria provided, single submitter. Criteria: ACMG Guidelines, 2015. Collection method: not provided. Allele origin: germline. Inheritance: Autosomal recessive inheritance. Affected: yes.

Dr. Peter K. Rogan Lab, Western University
No classification provided (evidence only). Condition: Malignant tumor of esophagus. Review status: no classification provided. Collection method: in vitro. Allele origin: not applicable. Functional consequence: retained intron. Not counted in ClinVar's aggregate classification.